The following is an entry in ClinVar:

ClinVar aggregate classification (germline): Uncertain significance (1 of 4 stars; one submission).

Conditions:
Microcephaly-intellectual disability-sensorineural hearing loss-epilepsy-abnormal muscle tone syndrome (NEDHSB). Also called: NEURODEVELOPMENTAL DISORDER WITH HEARING LOSS, SEIZURES, AND BRAIN ABNORMALITIES. Identifiers: Orphanet 457351, MedGen C4225276, MONDO:0014698, OMIM 616577.

gnomAD v4.1: 28 of 1,614,064 alleles (0.0017%); highest among the groups gnomAD compares: Non-Finnish European, 0.0022%; no homozygotes.

Submission:

Labcorp Genetics (formerly Invitae), Labcorp
Classification: Uncertain significance for Microcephaly-intellectual disability-sensorineural hearing loss-epilepsy-abnormal muscle tone syndrome. Last evaluated: 2023-12-22. Review status: criteria provided, single submitter. Criteria: Invitae Variant Classification Sherloc (09022015). Collection method: clinical testing. Allele origin: germline.
Comment: This sequence change affects the initiator methionine of the SPATA5 mRNA. The next in-frame methionine is located at codon 75. This variant is present in population databases (rs552219028, gnomAD 0.005%). Disruption of the initiator codon has been observed in individual(s) with early-onset epileptic encephalopathy (PMID: 30552426). ClinVar contains an entry for this variant (Variation ID: 653800). Experimental studies and prediction algorithms are not available or were not evaluated, and the functional significance of this variant is currently unknown. In summary, the available evidence is currently insufficient to determine the role of this variant in disease. Therefore, it has been classified as a Variant of Uncertain Significance.

Literature cited by the submitters: PubMed 30552426.

NM_145207.3(AFG2A):c.1A>G (p.Met1Val)

Gene: AFG2A (AFG2 AAA ATPase homolog A; plus strand). Cytogenetic location: 4q28.1.
Variant type: single nucleotide variant.
Coding change: c.1A>G on transcript NM_145207.3 (MANE Select); coding-DNA position 1, A replaced by G.
Protein change: p.Met1Val; changes the start codon (methionine 1).
Molecular consequence: missense variant, initiator codon variant.
Genome position (GRCh38, 1-based): chr4:122,923,143, A>G. VCF-style: chr4-122923143-A-G. GRCh37 (hg19) VCF-style: chr4-123844298-A-G.
Other names: c.1A>G, p.Met1Val (NM_001317799.2, NM_001345856.2); short protein forms M1V.
Identifiers: ClinVar variation 653800 (VCV000653800.5), dbSNP rs552219028, ClinGen allele CA3070107.
Genomic context (GRCh38, chr4:122,923,143, plus strand): 5'-AGTTGAAGCGCGCACATTGAGTCGGCTTTTCTACTGCTTCGGCTAGGGTACCTTGTGACC[A>G]TGTCTTCCAAGAAGAATAGAAAGCGGTTGAACCAAAGCGCGGAAAATGGTTCGTCCTTGC-3'
Protein context (NP_660208.2, residues 1-11): [Met1Val]SSKKNRKRLN